The following is an entry in ClinVar:

NM_213607.3(DNAAF19):c.197G>A (p.Gly66Glu)

Gene: DNAAF19 (dynein axonemal assembly factor 19; plus strand). Cytogenetic location: 17q21.31.
Variant type: single nucleotide variant.
Coding change: c.197G>A on transcript NM_213607.3 (MANE Select); coding-DNA position 197, G replaced by A.
Protein change: p.Gly66Glu; replaces glycine 66 with glutamic acid.
Molecular consequence: missense variant.
Genome position (GRCh38, 1-based): chr17:44,901,573, G>A. VCF-style: chr17-44901573-G-A. GRCh37 (hg19) VCF-style: chr17-42978941-G-A.
Other names: c.197G>A, p.Gly66Glu (NM_001258395.2, NM_001258396.2, NM_001258397.3 and 2 more transcripts); short protein forms G66E.
Identifiers: ClinVar variation 656327 (VCV000656327.7), dbSNP rs199961859, ClinGen allele CA8608304.

ClinVar aggregate classification (germline): Uncertain significance. Review status: criteria provided, multiple submitters, no conflicts (2 of 4 stars). 2 submissions from 2 submitters: Uncertain significance (2). Last evaluated 2021-08-26.

Conditions:
Primary ciliary dyskinesia. Also called: Ciliary dyskinesia. Identifiers: Orphanet 244, MedGen C0008780, MONDO:0016575, HP:0012265.
Primary ciliary dyskinesia 17. Also called: CILIARY DYSKINESIA, PRIMARY, 17, WITH OR WITHOUT SITUS INVERSUS. Identifiers: Orphanet 244, MedGen C3542550, MONDO:0013854, OMIM 614679.

Allele frequency attached by ClinVar (database versions not stated): gnomAD exomes 0.00001 and 0.00002; ExAC 0.00002; gnomAD 0.00004 and 0.00005; TOPMed 0.00013; 1000 Genomes Project 0.00040; 1000 Genomes Project 30x 0.00047.
gnomAD v4.1: 26 of 1,614,156 alleles (0.0016%); highest among the groups gnomAD compares: Admixed American, 0.018%; no homozygotes.

Submissions (2):

Labcorp Genetics (formerly Invitae), Labcorp
Classification: Uncertain significance for Primary ciliary dyskinesia. Last evaluated: 2021-08-26. Review status: criteria provided, single submitter. Criteria: Invitae Variant Classification Sherloc (09022015). Collection method: clinical testing. Allele origin: germline.
Comment: This sequence change replaces glycine with glutamic acid at codon 66 of the CCDC103 protein (p.Gly66Glu). The glycine residue is highly conserved and there is a moderate physicochemical difference between glycine and glutamic acid. This variant is present in population databases (rs199961859, ExAC 0.009%). This variant has not been reported in the literature in individuals affected with CCDC103-related conditions. Algorithms developed to predict the effect of missense changes on protein structure and function output the following: SIFT: "Deleterious"; PolyPhen-2: "Benign"; Align-GVGD: "Class C65". The glutamic acid amino acid residue is found in multiple mammalian species, which suggests that this missense change does not adversely affect protein function. In summary, the available evidence is currently insufficient to determine the role of this variant in disease. Therefore, it has been classified as a Variant of Uncertain Significance.

Fulgent Genetics
Classification: Uncertain significance for Primary ciliary dyskinesia 17. Last evaluated: 2021-07-16. Review status: criteria provided, single submitter. Criteria: ACMG Guidelines, 2015. Collection method: clinical testing. Allele origin: unknown.